The following is an entry in ClinVar:

ClinVar aggregate classification (germline): Uncertain significance (1 of 4 stars; one submission).

Conditions:
Developmental and epileptic encephalopathy. Identifiers: MedGen C5779964, MONDO:0100620.

Allele frequency attached by ClinVar (database versions not stated): TOPMed 0.00001.
gnomAD v4.1: 4 of 1,613,640 alleles (0.00025%); highest among the groups gnomAD compares: Non-Finnish European, 0.00034%; no homozygotes.

Submission:

Labcorp Genetics (formerly Invitae), Labcorp
Classification: Uncertain significance for Early-infantile DEE. Last evaluated: 2022-04-19. Review status: criteria provided, single submitter. Criteria: Invitae Variant Classification Sherloc (09022015). Collection method: clinical testing. Allele origin: germline.
Comment: This sequence change replaces valine, which is neutral and non-polar, with isoleucine, which is neutral and non-polar, at codon 220 of the CACNA2D2 protein (p.Val220Ile). This variant is not present in population databases (gnomAD no frequency). This variant has not been reported in the literature in individuals affected with CACNA2D2-related conditions. ClinVar contains an entry for this variant (Variation ID: 1017869). Algorithms developed to predict the effect of missense changes on protein structure and function output the following: SIFT: "Deleterious"; PolyPhen-2: "Possibly Damaging"; Align-GVGD: "Class C0". The isoleucine amino acid residue is found in multiple mammalian species, which suggests that this missense change does not adversely affect protein function. In summary, the available evidence is currently insufficient to determine the role of this variant in disease. Therefore, it has been classified as a Variant of Uncertain Significance.

NM_006030.4(CACNA2D2):c.658G>A (p.Val220Ile)

Gene: CACNA2D2 (calcium voltage-gated channel auxiliary subunit alpha2delta 2; minus strand). Cytogenetic location: 3p21.31.
Variant type: single nucleotide variant.
Coding change: c.658G>A on transcript NM_006030.4 (MANE Select); coding-DNA position 658, G replaced by A.
Protein change: p.Val220Ile; replaces valine 220 with isoleucine.
Molecular consequence: missense variant.
Genome position (GRCh38, 1-based): chr3:50,381,121, C>T on the plus strand (G>A on the coding strand, the complement: CACNA2D2 is on the minus strand). VCF-style: chr3-50381121-C-T. GRCh37 (hg19) VCF-style: chr3-50418552-C-T.
Other names: c.658G>A, p.Val220Ile (NM_001005505.3, NM_001174051.3); c.451G>A, p.Val151Ile (NM_001291101.1); short protein forms V151I, V220I.
Identifiers: ClinVar variation 1017869 (VCV001017869.3), dbSNP rs1203412706, ClinGen allele CA352940967.